The following is an entry in ClinVar:

NM_152564.5(VPS13B):c.9339T>A (p.Arg3113=)

Gene: VPS13B (vacuolar protein sorting 13 homolog B; plus strand). Cytogenetic location: 8q22.2.
Variant type: single nucleotide variant.
Coding change: c.9339T>A on transcript NM_152564.5 (MANE Select); coding-DNA position 9339, T replaced by A.
Protein change: p.Arg3113=; no amino-acid change (arginine 3113 retained).
Molecular consequence: synonymous variant.
Genome position (GRCh38, 1-based): chr8:99,832,377, T>A. VCF-style: chr8-99832377-T-A. GRCh37 (hg19) VCF-style: chr8-100844605-T-A.
Other names: c.9414T>A, p.Arg3138= (NM_017890.5); c.9339T>A (NM_152564.4).
Identifiers: ClinVar variation 361080 (VCV000361080.15), dbSNP rs78277780, ClinGen allele CA4824693.

ClinVar aggregate classification (germline): Conflicting classifications of pathogenicity. Review status: criteria provided, conflicting classifications (1 of 4 stars). 3 submissions from 3 submitters: Uncertain significance (1); Likely benign (1). 1 of the submissions does not count toward it. Last evaluated 2026-01-17.

Conditions:
VPS13B-related disorder. Also called: VPS13B-related condition.
Cohen syndrome (COH1). Also called: PEPPER SYNDROME; Cutis verticis gyrata, retinitis pigmentosa, and sensorineural deafness. Identifiers: Orphanet 193, MedGen C0265223, MONDO:0008999, OMIM 216550.

Allele frequency attached by ClinVar (database versions not stated): ExAC below 0.00001; gnomAD 0.00001; gnomAD exomes 0.00001.
gnomAD v4.1: 7 of 1,527,278 alleles (0.00046%); highest among the groups gnomAD compares: Non-Finnish European, 0.00053%; no homozygotes.

Submissions (3):

Labcorp Genetics (formerly Invitae), Labcorp
Classification: Likely benign for Cohen syndrome. Last evaluated: 2026-01-17. Review status: criteria provided, single submitter. Criteria: Invitae Variant Classification Sherloc (09022015). Collection method: clinical testing. Allele origin: germline.

Illumina Laboratory Services, Illumina
Classification: Uncertain significance for Cohen syndrome. Last evaluated: 2018-01-13. Review status: criteria provided, single submitter. Criteria: ICSL Variant Classification Criteria 13 December 2019. Collection method: clinical testing. Allele origin: germline.

PreventionGenetics, part of Exact Sciences
Classification: Likely benign for VPS13B-related condition. Last evaluated: 2024-04-25. Review status: no assertion criteria provided. Collection method: clinical testing. Allele origin: germline. Not counted in ClinVar's aggregate classification.
Comment: This variant is classified as likely benign based on ACMG/AMP sequence variant interpretation guidelines (Richards et al. 2015 PMID: 25741868, with internal and published modifications).